The following is an entry in ClinVar:

NM_000059.4(BRCA2):c.8873del (p.Lys2958fs)

Gene: BRCA2 (BRCA2 DNA repair associated; plus strand). Cytogenetic location: 13q13.1.
Variant type: Deletion.
Coding change: c.8873del on transcript NM_000059.4 (MANE Select); coding-DNA position 8873, one base deleted (A; older notation c.8873delA).
Protein change: p.Lys2958fs; shifts the reading frame from lysine 2958.
Molecular consequence: frameshift variant.
Genome position (GRCh38, 1-based): chr13:32,379,435, A deleted; the last of 4 consecutive A bases (chr13:32,379,432-32,379,435); deleting any one gives the same sequence. VCF-style (leftmost placement, unchanged base first): chr13-32379431-CA-C. GRCh37 (hg19) VCF-style: chr13-32953568-CA-C.
Other names: short protein forms K2958fs.
Identifiers: ClinVar variation 822789 (VCV000822789.4), dbSNP rs1593936782, ClinGen allele CA915948612.

ClinVar aggregate classification (germline): Pathogenic (1 of 4 stars; one submission).

Conditions:
Hereditary cancer-predisposing syndrome. Also called: Tumor predisposition; Hereditary Cancer Syndrome; Neoplastic Syndromes, Hereditary; Hereditary neoplastic syndrome. Identifiers: Orphanet 140162, MedGen C0027672, MeSH D009386, MONDO:0015356.

Submission:

Ambry Genetics
Classification: Pathogenic for Hereditary cancer-predisposing syndrome. Last evaluated: 2019-11-06. Review status: criteria provided, single submitter. Criteria: Ambry Variant Classification Scheme 2023. Collection method: clinical testing. Allele origin: germline.
Comment: The c.8873delA pathogenic mutation, located in coding exon 21 of the BRCA2 gene, results from a deletion of one nucleotide at nucleotide position 8873, causing a translational frameshift with a predicted alternate stop codon (p.K2958Rfs*18). This alteration is expected to result in loss of function by premature protein truncation or nonsense-mediated mRNA decay. As such, this alteration is interpreted as a disease-causing mutation.